The following is an entry in ClinVar:

ClinVar aggregate classification (germline): Uncertain significance (1 of 4 stars; one submission).

Allele frequency attached by ClinVar (database versions not stated): gnomAD exomes below 0.00001.
gnomAD v4.1: 1 of 1,614,112 alleles (0.000062%); highest among the groups gnomAD compares: Admixed American, 0.0017%; no homozygotes.

Submission:

Labcorp Genetics (formerly Invitae), Labcorp
Classification: Uncertain significance. Last evaluated: 2025-02-04. Review status: criteria provided, single submitter. Criteria: Invitae Variant Classification Sherloc (09022015). Collection method: clinical testing. Allele origin: germline.
Comment: This sequence change replaces serine, which is neutral and polar, with leucine, which is neutral and non-polar, at codon 1321 of the NLRP1 protein (p.Ser1321Leu). This variant is present in population databases (no rsID available, gnomAD 0.003%). This variant has not been reported in the literature in individuals affected with NLRP1-related conditions. ClinVar contains an entry for this variant (Variation ID: 2794552). An algorithm developed to predict the effect of missense changes on protein structure and function (PolyPhen-2) suggests that this variant is likely to be disruptive. In summary, the available evidence is currently insufficient to determine the role of this variant in disease. Therefore, it has been classified as a Variant of Uncertain Significance.

NM_033004.4(NLRP1):c.3962C>T (p.Ser1321Leu)

Gene: NLRP1 (NLR family pyrin domain containing 1; minus strand). Cytogenetic location: 17p13.2.
Variant type: single nucleotide variant.
Coding change: c.3962C>T on transcript NM_033004.4 (MANE Select); coding-DNA position 3962, C replaced by T.
Protein change: p.Ser1321Leu; replaces serine 1321 with leucine.
Molecular consequence: missense variant.
Genome position (GRCh38, 1-based): chr17:5,517,841, G>A on the plus strand (C>T on the coding strand, the complement: NLRP1 is on the minus strand). VCF-style: chr17-5517841-G-A. GRCh37 (hg19) VCF-style: chr17-5421161-G-A.
Other names: c.3830C>T, p.Ser1277Leu (NM_014922.5); c.3872C>T, p.Ser1291Leu (NM_033006.4); c.3740C>T, p.Ser1247Leu (NM_033007.4); c.3974C>T, p.Ser1325Leu (NM_001033053.3); short protein forms S1291L, S1321L, S1325L, S1247L, S1277L.
Identifiers: ClinVar variation 2794552 (VCV002794552.3), dbSNP rs1289681813, ClinGen allele CA397388539.